The following is an entry in ClinVar:

NM_001206927.2(DNAH8):c.3454_3455del (p.Val1152fs)

Gene: DNAH8 (dynein axonemal heavy chain 8; plus strand). Cytogenetic location: 6p21.2.
Variant type: Deletion.
Coding change: c.3454_3455del on transcript NM_001206927.2 (MANE Select); coding-DNA positions 3454 to 3455, 2 bases deleted (GT; older notation c.3454_3455delGT).
Protein change: p.Val1152fs; shifts the reading frame from valine 1152.
Molecular consequence: frameshift variant.
Genome position (GRCh38, 1-based): chr6:38,815,588-38,815,589, GT deleted; deleting any 2 consecutive bases within chr6:38,815,587-38,815,589 gives the same sequence; the c. name uses the placement nearest the transcript's 3' end. VCF-style (leftmost placement, unchanged base first): chr6-38815586-CTG-C. GRCh37 (hg19) VCF-style: chr6-38783362-CTG-C.
Other names: c.2803_2804del, p.Val935fs (NM_001371.4); short protein forms V1152fs, V935fs.
Identifiers: ClinVar variation 5007052 (VCV005007052.2).

ClinVar aggregate classification (germline): Likely pathogenic (1 of 4 stars; one submission).

Conditions:
Spermatogenic failure 46. Identifiers: MedGen C5436799, MONDO:0033673, OMIM 619095.

Submission:

Juno Genomics, Hangzhou Juno Genomics, Inc
Classification: Likely pathogenic for Spermatogenic failure 46. Review status: criteria provided, single submitter. Criteria: ACMG Guidelines, 2015. Collection method: clinical testing. Allele origin: germline.
Comment: Null variant in a gene where loss of function (LOF) is a known mechanism of disease.;Absent from controls (or at extremely low frequency if recessive) in Genome Aggregation Database.